The following is an entry in ClinVar:

ClinVar aggregate classification (germline): Benign/Likely benign. Review status: criteria provided, multiple submitters, no conflicts (2 of 4 stars). 6 submissions from 6 submitters: Benign (4); Likely benign (1). 1 of the submissions does not count toward it. Last evaluated 2026-01-27.

Conditions:
Ataxia-telangiectasia-like disorder (ATLD). Identifiers: MedGen C1858391, MONDO:0011457.
Ataxia-telangiectasia-like disorder 1 (ATLD1). Identifiers: Orphanet 251347, MedGen C4012790, MONDO:0024557, OMIM 604391.

Allele frequency attached by ClinVar (database versions not stated): gnomAD exomes 0.00018 and 0.00073; gnomAD 0.00021 and 0.00031; TOPMed 0.00040; ExAC 0.00072; 1000 Genomes Project 30x 0.00265; 1000 Genomes Project 0.00319.
gnomAD v4.1: 319 of 1,611,702 alleles (0.02%); highest among the groups gnomAD compares: East Asian, 0.55%; no homozygotes.

Submissions (6):

Labcorp Genetics (formerly Invitae), Labcorp
Classification: Benign for Ataxia-telangiectasia-like disorder. Last evaluated: 2026-01-27. Review status: criteria provided, single submitter. Criteria: Invitae Variant Classification Sherloc (09022015). Collection method: clinical testing. Allele origin: germline.

Blueprint Genetics
Classification: Likely benign. Last evaluated: 2024-11-21. Review status: criteria provided, single submitter. Criteria: ACMG Guidelines, 2015. Collection method: clinical testing. Allele origin: germline.

KCCC/NGS Laboratory, Kuwait Cancer Control Center
Classification: Benign for Ataxia-telangiectasia-like disorder 1. Last evaluated: 2023-07-07. Review status: criteria provided, single submitter. Criteria: ACMG Guidelines, 2015. Collection method: clinical testing. Allele origin: germline. Affected: yes.

GeneDx
Classification: Benign. Last evaluated: 2013-11-05. Review status: criteria provided, single submitter. Criteria: GeneDx Variant Classification (06012015). Collection method: clinical testing. Allele origin: germline. Affected: yes.
Comment: This variant is considered likely benign or benign based on one or more of the following criteria: it is a conservative change, it occurs at a poorly conserved position in the protein, it is predicted to be benign by multiple in silico algorithms, and/or has population frequency not consistent with disease.

PreventionGenetics, part of Exact Sciences
Classification: Benign. Review status: criteria provided, single submitter. Criteria: ACMG Guidelines, 2015. Collection method: clinical testing. Allele origin: germline.

Counsyl
Classification: Likely benign for Ataxia-telangiectasia-like disorder 1. Last evaluated: 2016-07-13. Review status: no assertion criteria provided. Collection method: clinical testing. Allele origin: unknown. Not counted in ClinVar's aggregate classification.

NM_005591.4(MRE11):c.845+11T>C

Gene: MRE11 (MRE11 double strand break repair nuclease; minus strand). Cytogenetic location: 11q21.
Variant type: single nucleotide variant.
Coding change: c.845+11T>C on transcript NM_005591.4 (MANE Select); 11 bases into the intron after coding-DNA position 845, T replaced by C.
Molecular consequence: intron variant.
Genome position (GRCh38, 1-based): chr11:94,471,563, A>G on the plus strand (T>C on the coding strand, the complement: MRE11 is on the minus strand). VCF-style: chr11-94471563-A-G. GRCh37 (hg19) VCF-style: chr11-94204729-A-G.
Other names: c.845+11T>C (NM_001330347.2, NM_005590.4).
Identifiers: ClinVar variation 182550 (VCV000182550.13), dbSNP rs140145979, ClinGen allele CA299294.